The following is an entry in ClinVar:

ClinVar aggregate classification (germline): Benign/Likely benign. Review status: criteria provided, multiple submitters, no conflicts (2 of 4 stars). 2 submissions from 2 submitters: Benign (1); Likely benign (1). Last evaluated 2025-12-31.

Conditions:
EGFR-related lung cancer (EGFR). Identifiers: MedGen CN130014.
Lung cancer. Also called: Lung cancer, somatic; Malignant tumor of lung. Identifiers: MedGen C0242379, MONDO:0008903, OMIM 211980.

Allele frequency attached by ClinVar (database versions not stated): gnomAD 0.00001; gnomAD exomes 0.00001 and 0.00002; ExAC 0.00002.
gnomAD v4.1: 6 of 1,613,988 alleles (0.00037%); highest among the groups gnomAD compares: South Asian, 0.0066%; no homozygotes.

Submissions (2):

Labcorp Genetics (formerly Invitae), Labcorp
Classification: Likely benign for EGFR-related lung cancer. Last evaluated: 2025-12-31. Review status: criteria provided, single submitter. Criteria: Invitae Variant Classification Sherloc (09022015). Collection method: clinical testing. Allele origin: germline.

Myriad Genetics, Inc.
Classification: Benign for Lung cancer. Last evaluated: 2024-10-17. Review status: criteria provided, single submitter. Criteria: Myriad Autosomal Dominant, Autosomal Recessive and X-Linked Classification Criteria (2023). Collection method: clinical testing. Allele origin: unknown.
Comment: This variant is considered benign. This variant is a silent/synonymous amino acid change and it is not expected to impact splicing.

NM_005228.5(EGFR):c.2568T>C (p.Phe856=)

Gene: EGFR (epidermal growth factor receptor; plus strand). Cytogenetic location: 7p11.2.
Variant type: single nucleotide variant.
Coding change: c.2568T>C on transcript NM_005228.5 (MANE Select); coding-DNA position 2568, T replaced by C.
Protein change: p.Phe856=; no amino-acid change (phenylalanine 856 retained).
Molecular consequence: synonymous variant.
Genome position (GRCh38, 1-based): chr7:55,191,817, T>C. VCF-style: chr7-55191817-T-C. GRCh37 (hg19) VCF-style: chr7-55259510-T-C.
Other names: c.2433T>C, p.Phe811= (NM_001346897.2, NM_001346899.2); c.2568T>C, p.Phe856= (NM_001346898.2); c.2409T>C, p.Phe803= (NM_001346900.2); c.1767T>C, p.Phe589= (NM_001346941.2).
Identifiers: ClinVar variation 1649155 (VCV001649155.9), dbSNP rs774578719, ClinGen allele CA4266113.